The following is an entry in ClinVar:

ClinVar aggregate classification (germline): Pathogenic. Review status: criteria provided, multiple submitters, no conflicts (2 of 4 stars). 2 submissions from 2 submitters: Pathogenic (2). Last evaluated 2022-06-23.

Conditions:
Cerebellar dysfunction with variable cognitive and behavioral abnormalities (CECBA). Also called: Nonprogressive cerebellar atxia with intellectual disability. Identifiers: Orphanet 314647, MedGen C3553661, MONDO:0013886, OMIM 614756.

Submissions (2):

Labcorp Genetics (formerly Invitae), Labcorp
Classification: Pathogenic. Last evaluated: 2022-06-23. Review status: criteria provided, single submitter. Criteria: Invitae Variant Classification Sherloc (09022015). Collection method: clinical testing. Allele origin: germline.
Comment: For these reasons, this variant has been classified as Pathogenic. ClinVar contains an entry for this variant (Variation ID: 801430). This variant has not been reported in the literature in individuals affected with CAMTA1-related conditions. This variant is not present in population databases (gnomAD no frequency). This sequence change creates a premature translational stop signal (p.Trp880*) in the CAMTA1 gene. It is expected to result in an absent or disrupted protein product. Loss-of-function variants in CAMTA1 are known to be pathogenic (PMID: 22693284).

Mendelics
Classification: Pathogenic for Cerebellar dysfunction with variable cognitive and behavioral abnormalities. Last evaluated: 2019-05-28. Review status: criteria provided, single submitter. Criteria: Mendelics Assertion Criteria 2017. Collection method: clinical testing. Allele origin: unknown.

Literature cited by the submitters: PubMed 22693284 (cited by Labcorp Genetics (formerly Invitae), Labcorp).

NM_015215.4(CAMTA1):c.2639G>A (p.Trp880Ter)

Gene: CAMTA1 (calmodulin binding transcription activator 1; plus strand). Cytogenetic location: 1p36.23.
Variant type: single nucleotide variant.
Coding change: c.2639G>A on transcript NM_015215.4 (MANE Select); coding-DNA position 2639, G replaced by A.
Protein change: p.Trp880Ter; replaces tryptophan 880 with a stop codon.
Molecular consequence: nonsense.
Genome position (GRCh38, 1-based): chr1:7,665,186, G>A. VCF-style: chr1-7665186-G-A. GRCh37 (hg19) VCF-style: chr1-7725246-G-A.
Other names: c.2549G>A, p.Trp850Ter (NM_001349608.2, NM_001349612.2); c.2639G>A, p.Trp880Ter (NM_001349609.2, NM_001349610.2); short protein forms W880*, W850*.
Identifiers: ClinVar variation 801430 (VCV000801430.6), dbSNP rs1576691273, ClinGen allele CA338136932.